The following is an entry in ClinVar:

NM_005121.3(MED13):c.4856G>T (p.Arg1619Leu)

Gene: MED13 (mediator complex subunit 13; minus strand). Cytogenetic location: 17q23.2.
Variant type: single nucleotide variant.
Coding change: c.4856G>T on transcript NM_005121.3 (MANE Select); coding-DNA position 4856, G replaced by T.
Protein change: p.Arg1619Leu; replaces arginine 1619 with leucine.
Molecular consequence: missense variant.
Genome position (GRCh38, 1-based): chr17:61,962,960, C>A on the plus strand (G>T on the coding strand, the complement: MED13 is on the minus strand). VCF-style: chr17-61962960-C-A. GRCh37 (hg19) VCF-style: chr17-60040321-C-A.
Other names: short protein forms R1619L.
Identifiers: ClinVar variation 3360137 (VCV003360137.1).
Genomic context (GRCh38, chr17:61,962,960, plus strand): 5'-ATTGCAGGTGGATACGTGACTGCATGTGAATCACCATCTGTGGGGATTCCCACTTTATCC[C>A]GATCCATCGTGCTAAAATTTAAGGTAGAAATGAGACAAAAAGTTGTACTGTATATGCTTG-3'
Protein context (NP_005112.2, residues 1609-1629): HPDVSESTMD[Arg1619Leu]DKVGIPTDGD

ClinVar aggregate classification (germline): Uncertain significance (1 of 4 stars; one submission).

Submission:

GeneDx
Classification: Uncertain significance. Last evaluated: 2023-06-21. Review status: criteria provided, single submitter. Criteria: GeneDx Variant Classification Process June 2021. Collection method: clinical testing. Allele origin: germline. Affected: yes.
Comment: Not observed at significant frequency in large population cohorts (gnomAD); In silico analysis supports that this missense variant has a deleterious effect on protein structure/function; Has not been previously published as pathogenic or benign to our knowledge